The following is an entry in ClinVar:

NM_006734.4(HIVEP2):c.1898G>T (p.Arg633Met)

Gene: HIVEP2 (HIVEP zinc finger 2; minus strand). Cytogenetic location: 6q24.2.
Variant type: single nucleotide variant.
Coding change: c.1898G>T on transcript NM_006734.4 (MANE Select); coding-DNA position 1898, G replaced by T.
Protein change: p.Arg633Met; replaces arginine 633 with methionine.
Molecular consequence: missense variant.
Genome position (GRCh38, 1-based): chr6:142,772,841, C>A on the plus strand (G>T on the coding strand, the complement: HIVEP2 is on the minus strand). VCF-style: chr6-142772841-C-A. GRCh37 (hg19) VCF-style: chr6-143093978-C-A.
Other names: short protein forms R633M.
Identifiers: ClinVar variation 2656960 (VCV002656960.24), dbSNP rs2482844381, ClinGen allele CA365911859.

ClinVar aggregate classification (germline): Uncertain significance (1 of 4 stars; one submission).

Allele frequency attached by ClinVar (database versions not stated): gnomAD exomes below 0.00001.
gnomAD v4.1: 2 of 1,614,224 alleles (0.00012%); highest among the groups gnomAD compares: Non-Finnish European, 0.00017%; no homozygotes.

Submission:

CeGaT Center for Human Genetics Tuebingen
Classification: Uncertain significance. Last evaluated: 2023-04-01. Review status: criteria provided, single submitter. Criteria: CeGaT Center For Human Genetics Tuebingen Variant Classification Criteria Version 2. Collection method: clinical testing. Allele origin: germline. Affected: yes. Observed: 1 variant allele.
Comment: HIVEP2: PM2, BP4